The following is an entry in ClinVar:

NM_001927.4(DES):c.1280A>C (p.Asn427Thr)

Gene: DES (desmin; plus strand). Cytogenetic location: 2q35.
Variant type: single nucleotide variant.
Coding change: c.1280A>C on transcript NM_001927.4 (MANE Select); coding-DNA position 1280, A replaced by C.
Protein change: p.Asn427Thr; replaces asparagine 427 with threonine.
Molecular consequence: missense variant.
Genome position (GRCh38, 1-based): chr2:219,423,812, A>C. VCF-style: chr2-219423812-A-C. GRCh37 (hg19) VCF-style: chr2-220288534-A-C.
Other names: c.1277A>C, p.Asn426Thr (NM_001382708.1); c.848A>C, p.Asn283Thr (NM_001382709.1); c.1211A>C, p.Asn404Thr (NM_001382710.1); c.1259A>C, p.Asn420Thr (NM_001382711.1); c.1280A>C, p.Asn427Thr (NM_001382712.1); c.1010A>C, p.Asn337Thr (NM_001382713.1); short protein forms N404T, N426T, N283T, N337T, N420T, N427T.
Identifiers: ClinVar variation 4788919 (VCV004788919.1).

ClinVar aggregate classification (germline): Uncertain significance (1 of 4 stars; one submission).

Conditions:
Desmin-related myofibrillar myopathy (MFM1). Also called: Desminopathy; Desmin related myopathy (former name); Desmin storage myopathy (former name); Myofibrillar myopathy 1; MYOFIBRILLAR MYOPATHY WITH ARRHYTHMOGENIC RIGHT VENTRICULAR CARDIOMYOPATHY; DESMIN-RELATED MYOPATHY WITH ARRHYTHMOGENIC RIGHT VENTRICULAR CARDIOMYOPATHY. Identifiers: Orphanet 363543, Orphanet 98909, MedGen C1832370, MONDO:0011076, OMIM 601419.

gnomAD v4.1: 3 of 1,613,614 alleles (0.00019%); highest among the groups gnomAD compares: Non-Finnish European, 0.00017%; no homozygotes.

Submission:

Labcorp Genetics (formerly Invitae), Labcorp
Classification: Uncertain significance for Desmin-related myofibrillar myopathy. Last evaluated: 2025-09-16. Review status: criteria provided, single submitter. Criteria: Invitae Variant Classification Sherloc (09022015). Collection method: clinical testing. Allele origin: germline.
Comment: This sequence change replaces asparagine, which is neutral and polar, with threonine, which is neutral and polar, at codon 427 of the DES protein (p.Asn427Thr). This variant is present in population databases (no rsID available, gnomAD 0.007%). This variant has not been reported in the literature in individuals affected with DES-related conditions. Invitae Evidence Modeling of protein sequence and biophysical properties (such as structural, functional, and spatial information, amino acid conservation, physicochemical variation, residue mobility, and thermodynamic stability) has been performed for this missense variant. However, the output from this modeling did not meet the statistical confidence thresholds required to predict the impact of this variant on DES protein function. In summary, the available evidence is currently insufficient to determine the role of this variant in disease. Therefore, it has been classified as a Variant of Uncertain Significance.